The following is an entry in ClinVar:

NM_173076.3(ABCA12):c.5381+1G>C

Gene: ABCA12 (ATP binding cassette subfamily A member 12; minus strand). Cytogenetic location: 2q35.
Variant type: single nucleotide variant.
Coding change: c.5381+1G>C on transcript NM_173076.3 (MANE Select); the canonical splice donor site of the intron after coding-DNA position 5381, G replaced by C.
Molecular consequence: splice donor variant.
Genome position (GRCh38, 1-based): chr2:214,975,784, C>G on the plus strand (G>C on the coding strand, the complement: ABCA12 is on the minus strand). VCF-style: chr2-214975784-C-G. GRCh37 (hg19) VCF-style: chr2-215840508-C-G.
Other names: c.4427+1G>C (NM_015657.4).
Identifiers: ClinVar variation 488673 (VCV000488673.6), dbSNP rs1553523037, ClinGen allele CA350456675.

ClinVar aggregate classification (germline): Pathogenic/Likely pathogenic. Review status: criteria provided, multiple submitters, no conflicts (2 of 4 stars). 2 submissions from 2 submitters: Pathogenic (1); Likely pathogenic (1). Last evaluated 2023-12-09.

Allele frequency attached by ClinVar (database versions not stated): gnomAD exomes below 0.00001.
gnomAD v4.1: 5 of 1,614,018 alleles (0.00031%); highest among the groups gnomAD compares: Non-Finnish European, 0.00042%; no homozygotes.

Submissions (2):

Labcorp Genetics (formerly Invitae), Labcorp
Classification: Likely pathogenic. Last evaluated: 2023-12-09. Review status: criteria provided, single submitter. Criteria: Invitae Variant Classification Sherloc (09022015). Collection method: clinical testing. Allele origin: germline.
Comment: This sequence change affects a donor splice site in intron 34 of the ABCA12 gene. It is expected to disrupt RNA splicing. Variants that disrupt the donor or acceptor splice site typically lead to a loss of protein function (PMID: 16199547), and loss-of-function variants in ABCA12 are known to be pathogenic (PMID: 20672373). This variant is not present in population databases (gnomAD no frequency). This variant has not been reported in the literature in individuals affected with ABCA12-related conditions. ClinVar contains an entry for this variant (Variation ID: 488673). Algorithms developed to predict the effect of sequence changes on RNA splicing suggest that this variant may disrupt the consensus splice site. In summary, the currently available evidence indicates that the variant is pathogenic, but additional data are needed to prove that conclusively. Therefore, this variant has been classified as Likely Pathogenic.

GeneDx
Classification: Pathogenic. Last evaluated: 2020-08-21. Review status: criteria provided, single submitter. Criteria: GeneDx Variant Classification Process June 2021. Collection method: clinical testing. Allele origin: germline. Affected: yes.
Comment: Canonical splice site variant predicted to result in a null allele in a gene for which loss-of-function is a known mechanism of disease; Not observed at a significant frequency in large population cohorts (Lek et al., 2016); Has not been previously published as pathogenic or benign to our knowledge

Literature cited by the submitters: PubMed 16199547 (cited by Labcorp Genetics (formerly Invitae), Labcorp); PubMed 20672373 (cited by Labcorp Genetics (formerly Invitae), Labcorp).